The following is an entry in ClinVar:

NM_020843.4(SCAPER):c.*7T>C

Gene: SCAPER (S-phase cyclin A associated protein in the ER; minus strand). Cytogenetic location: 15q24.3.
Variant type: single nucleotide variant.
Coding change: c.*7T>C on transcript NM_020843.4 (MANE Select); 7 bases downstream of the stop codon, T replaced by C.
Molecular consequence: 3 prime UTR variant. On other transcripts: non-coding transcript variant (1).
Genome position (GRCh38, 1-based): chr15:76,348,626, A>G on the plus strand (T>C on the coding strand, the complement: SCAPER is on the minus strand). VCF-style: chr15-76348626-A-G. GRCh37 (hg19) VCF-style: chr15-76640967-A-G.
Other names: c.*7T>C (NM_001145923.2, NM_001353009.2, NM_001353010.2 and 2 more transcripts).
Identifiers: ClinVar variation 4979279 (VCV004979279.1).

ClinVar aggregate classification (germline): Likely benign (1 of 4 stars; one submission).

Conditions:
SCAPER-related disorder. Also called: SCAPER-related condition.

gnomAD v4.1: 2 of 1,522,674 alleles (0.00013%); highest among the groups gnomAD compares: Non-Finnish European, 0.00018%; no homozygotes.

Submission:

PreventionGenetics, part of Exact Sciences
Classification: Likely benign for SCAPER-related condition. Last evaluated: 2026-06-03. Review status: criteria provided, single submitter. Criteria: ACMG Guidelines, 2015. Collection method: clinical testing. Allele origin: germline.
Comment: This variant is classified as likely benign based on ACMG/AMP sequence variant interpretation guidelines (Richards et al. 2015 PMID: 25741868, with internal and published modifications).